The following is an entry in ClinVar:

NM_032608.7(MYO18B):c.3297G>A (p.Thr1099=)

Gene: MYO18B (myosin XVIIIB; plus strand). Cytogenetic location: 22q12.1.
Variant type: single nucleotide variant.
Coding change: c.3297G>A on transcript NM_032608.7 (MANE Select); coding-DNA position 3297, G replaced by A.
Protein change: p.Thr1099=; no amino-acid change (threonine 1099 retained).
Molecular consequence: synonymous variant.
Genome position (GRCh38, 1-based): chr22:25,843,823, G>A. VCF-style: chr22-25843823-G-A. GRCh37 (hg19) VCF-style: chr22-26239790-G-A.
Other names: c.3300G>A, p.Thr1100= (NM_001318245.2).
Identifiers: ClinVar variation 1580234 (VCV001580234.9), dbSNP rs369215277, ClinGen allele CA10160519.
Genomic context (GRCh38, chr22:25,843,823, plus strand): 5'-GCCCCTCCAGTGTGAGATTTTCCACCAGTTGGGATGGGACCCTGTGCGGTACGACCTCAC[G>A]GGCTGGCTCCACAGAGCCAAGCCCAACCTCTCGGCCCTGGATGCACCCCAGGTCCTGCAC-3'
Protein context (NP_115997.5, residues 1089-1109): LGWDPVRYDL[Thr1099=]GWLHRAKPNL

ClinVar aggregate classification (germline): Likely benign. Review status: criteria provided, multiple submitters, no conflicts (2 of 4 stars). 2 submissions from 2 submitters: Likely benign (2). Last evaluated 2026-09-01.

Allele frequency attached by ClinVar (database versions not stated): gnomAD 0.00004 and 0.00005; TOPMed 0.00006; ExAC 0.00008; ESP Exome Variant Server 0.00008; 1000 Genomes Project 30x 0.00016; 1000 Genomes Project 0.00020.
gnomAD v4.1: 122 of 1,613,820 alleles (0.0076%); highest among the groups gnomAD compares: Non-Finnish European, 0.0092%; no homozygotes.

Submissions (2):

CeGaT Center for Human Genetics Tuebingen
Classification: Likely benign. Last evaluated: 2026-09-01. Review status: criteria provided, single submitter. Criteria: CeGaT Center For Human Genetics Tuebingen Variant Classification Criteria Version 2. Collection method: clinical testing. Allele origin: germline. Affected: yes. Observed: 1 variant allele.
Comment: MYO18B: BP4, BP7

Labcorp Genetics (formerly Invitae), Labcorp
Classification: Likely benign. Last evaluated: 2026-01-21. Review status: criteria provided, single submitter. Criteria: Invitae Variant Classification Sherloc (09022015). Collection method: clinical testing. Allele origin: germline.